The following is an entry in ClinVar:

ClinVar aggregate classification (germline): Uncertain significance (1 of 4 stars; one submission).

Conditions:
Pyruvate dehydrogenase E1-alpha deficiency (PDHAD). Also called: ATAXIA, INTERMITTENT, WITH ABNORMAL PYRUVATE METABOLISM; ATAXIA, INTERMITTENT, WITH PYRUVATE DEHYDROGENASE DEFICIENCY; ATAXIA WITH LACTIC ACIDOSIS I; Ataxia, intermittent, with pyruvate dehydrogenase, or decarboxylase, deficiency. Identifiers: Orphanet 79243, MedGen C1839413, MONDO:0010717, OMIM 312170.

Submission:

Institute of Human Genetics, FAU Erlangen, Friedrich-Alexander-Universität Erlangen-Nürnberg
Classification: Uncertain significance for Pyruvate dehydrogenase E1-alpha deficiency. Last evaluated: 2023-09-29. Review status: criteria provided, single submitter. Criteria: Hauer et al. (Genet Med. 2018). Collection method: clinical testing. Allele origin: germline. Inheritance: X-linked recessive inheritance. Affected: yes. Observed: 2 variant alleles.
Comment: This variant has been identified by standard clinical testing.

NM_000284.4(PDHA1):c.946C>G (p.Pro316Ala)

Gene: PDHA1 (pyruvate dehydrogenase E1 subunit alpha 1; plus strand). Cytogenetic location: Xp22.12.
Variant type: single nucleotide variant.
Coding change: c.946C>G on transcript NM_000284.4 (MANE Select); coding-DNA position 946, C replaced by G.
Protein change: p.Pro316Ala; replaces proline 316 with alanine.
Molecular consequence: missense variant.
Genome position (GRCh38, 1-based): chrX:19,358,962, C>G. VCF-style: chrX-19358962-C-G. GRCh37 (hg19) VCF-style: chrX-19377080-C-G.
Other names: c.1060C>G, p.Pro354Ala (NM_001173454.2); c.967C>G, p.Pro323Ala (NM_001173455.2); c.853C>G, p.Pro285Ala (NM_001173456.2); short protein forms P285A, P316A, P323A, P354A.
Identifiers: ClinVar variation 2580882 (VCV002580882.1), dbSNP rs2518505578, ClinGen allele CA412396162.